The following is an entry in ClinVar:

NM_000169.3(GLA):c.124A>C (p.Met42Leu)

Genes: RPL36A-HNRNPH2 (RPL36A-HNRNPH2 readthrough; plus strand), GLA (galactosidase alpha; minus strand). Cytogenetic location: Xq22.1.
Variant type: single nucleotide variant.
Coding change: c.124A>C on transcript NM_000169.3 (MANE Select); coding-DNA position 124, A replaced by C.
Protein change: p.Met42Leu; replaces methionine 42 with leucine.
Molecular consequence: missense variant. On other transcripts: non-coding transcript variant (3), intron variant (2).
Genome position (GRCh38, 1-based): chrX:101,407,780, T>G on the plus strand (A>C on the coding strand, the complement: GLA is on the minus strand). VCF-style: chrX-101407780-T-G. GRCh37 (hg19) VCF-style: chrX-100662768-T-G.
Other names: c.124A>C, p.Met42Leu (NM_001406747.1, NM_001406748.1, NM_001406749.1); c.301-4156T>G (NM_001199973.2); c.178-4156T>G (NM_001199974.2); short protein forms M42L.
Identifiers: ClinVar variation 193056 (VCV000193056.29), dbSNP rs797044613, ClinGen allele CA021494.

ClinVar aggregate classification (germline): Conflicting classifications of pathogenicity. Review status: criteria provided, conflicting classifications (1 of 4 stars). 11 submissions from 11 submitters: Pathogenic (4); Likely pathogenic (5); Uncertain significance (1). 1 of the submissions does not count toward it. Last evaluated 2026-09-08.

Conditions:
Cardiovascular phenotype. Identifiers: MedGen CN230736.
Fabry disease. Also called: Ceramide trihexosidosis; Angiokeratoma corporis diffusum; ALPHA-GALACTOSIDASE A DEFICIENCY; ANDERSON-FABRY DISEASE; Fabry's disease; CERAMIDE TRIHEXOSIDASE DEFICIENCY. Identifiers: Orphanet 324, MedGen C0002986, MONDO:0010526, OMIM 301500, HP:0001071. Disease mechanism: Fabry disease is due to inactivating mutations in the X-linked GLA gene resulting in deficiency of the enzyme Alpha Galactosidase-A., loss of function.

Allele frequency attached by ClinVar (database versions not stated): gnomAD exomes below 0.00001; TOPMed below 0.00001; gnomAD 0.00001.
gnomAD v4.1: 5 of 1,209,691 alleles (0.00041%); highest among the groups gnomAD compares: Non-Finnish European, 0.00056%; no homozygotes.

Submissions 1 to 8 of 11:

Genomenon, Inc
Classification: Likely pathogenic for Fabry disease. Last evaluated: 2026-09-08. Review status: criteria provided, single submitter. Criteria: Genomenon Sequence Variant Interpretation Standards - Updated. Collection method: curation. Allele origin: germline. Affected: yes.
Comment: GLA p.Met42Leu (c.124A>C) is a missense variant that changes the amino acid at codon 42 from Methionine to Leucine. This variant has been observed in at least one proband with clinical features consistent with Fabry disease (PMID:15712228;30611458;15492942). Functional or patient cell studies have been reported (PMID:38937656;32802993;27657681;30611458). This variant is located in a mutational hotspot and/or important functional domain. It is absent or not present at a significant frequency in gnomAD. In silico models predict that this variant is possibly or probably damaging. In conclusion, we classify GLA p.Met42Leu (c.124A>C) as a likely pathogenic variant.

Women's Health and Genetics/Laboratory Corporation of America, LabCorp
Classification: Pathogenic for Fabry disease. Last evaluated: 2026-01-08. Review status: criteria provided, single submitter. Criteria: LabCorp Variant Classification Summary - May 2015. Collection method: clinical testing. Allele origin: germline.
Comment: Variant summary: GLA c.124A>C (p.Met42Leu) results in a conservative amino acid change in the encoded protein sequence. Algorithms developed to predict the effect of missense changes on protein structure and function are either unavailable or do not agree on the potential impact of this missense change. The variant was absent in 183437 control chromosomes (gnomAD). c.124A>C has been observed in individuals affected with Fabry disease (Rosenthal_2004, Shabbeer_2005, Newman_2019, Houge_2024). These data indicate that the variant is likely to be associated with disease. At least two different variants affecting the same codon has been classified as likely pathogenic/pathogenic (c.124A>G, p.Met42Val; c.125T>C, p.Met42Thr), supporting the critical relevance of codon 42 to GLA protein function. To our knowledge, no experimental evidence demonstrating an impact on protein function has been reported. To our knowledge, no experimental evidence demonstrating an impact on protein function has been reported. The following publications have been ascertained in the context of this evaluation (PMID: 15492942, 25382311, 15712228, 30611458). ClinVar contains an entry for this variant (Variation ID: 193056). Based on the evidence outlined above, the variant was classified as pathogenic.

Ambry Genetics
Classification: Likely pathogenic for Cardiovascular phenotype. Last evaluated: 2025-04-24. Review status: criteria provided, single submitter. Criteria: Ambry Variant Classification Scheme 2023. Collection method: clinical testing. Allele origin: germline.
Comment: The p.M42L variant (also known as c.124A>C), located in coding exon 1 of the GLA gene, results from an A to C substitution at nucleotide position 124. The methionine at codon 42 is replaced by leucine, an amino acid with highly similar properties. This variant was reported in individual(s) with features consistent with Fabry disease (Rosenthal D et al. Am J Kidney Dis, 2004 Nov;44:e85-9). This variant has also been reported in cardiomyopathy cohort (Stava TT et al. Eur J Prev Cardiol, 2022 Oct;29:1789-1799). Anther variant at the same codon, p.M42I (c.126G>A) has been identified in individual(s) with features consistent with Fabry disease (Pan X et al. PLoS One, 2016 Aug;11:e0161330). Functional studies suggest enzyme activity levels less than the wildtype; however, additional evidence is needed to confirm these findings (Benjamin ER et al. Genet Med, 2017 Apr;19:430-438; Oommen S et al. Mol Genet Metab, 2019 May;127:74-85). This amino acid position is highly conserved in available vertebrate species. In addition, this alteration is predicted to be deleterious by in silico analysis. This variant is considered to be rare based on population cohorts in the Genome Aggregation Database (gnomAD). Based on the majority of available evidence to date, this variant is likely to be pathogenic.

Labcorp Genetics (formerly Invitae), Labcorp
Classification: Pathogenic for Fabry disease. Last evaluated: 2025-01-29. Review status: criteria provided, single submitter. Criteria: Invitae Variant Classification Sherloc (09022015). Collection method: clinical testing. Allele origin: germline.
Comment: This sequence change replaces methionine, which is neutral and non-polar, with leucine, which is neutral and non-polar, at codon 42 of the GLA protein (p.Met42Leu). This variant is not present in population databases (gnomAD no frequency). This missense change has been observed in individual(s) with Fabry disease (PMID: 15492942, 15712228; http//DOI 10.16966/2380-5498.124). ClinVar contains an entry for this variant (Variation ID: 193056). Invitae Evidence Modeling of protein sequence and biophysical properties (such as structural, functional, and spatial information, amino acid conservation, physicochemical variation, residue mobility, and thermodynamic stability) indicates that this missense variant is not expected to disrupt GLA protein function with a negative predictive value of 80%. Experimental studies have shown that this missense change affects GLA function (PMID: 27657681). This variant disrupts the p.Met42 amino acid residue in GLA. Other variant(s) that disrupt this residue have been determined to be pathogenic (PMID: 8875188, 12175777, 18205205, 23935525, 26415523, 27560961). This suggests that this residue is clinically significant, and that variants that disrupt this residue are likely to be disease-causing. For these reasons, this variant has been classified as Pathogenic.

GeneDx
Classification: Likely pathogenic. Last evaluated: 2024-11-13. Review status: criteria provided, single submitter. Criteria: GeneDx Variant Classification Process June 2021. Collection method: clinical testing. Allele origin: germline. Affected: yes.
Comment: Not observed at significant frequency in large population cohorts (gnomAD); In silico analysis supports that this missense variant has a deleterious effect on protein structure/function; This variant is associated with the following publications: (PMID: 10666480, 17391432, 25382311, 35653365, 30386727, 15712228, 27657681, 31036492, 15492942)

Color Diagnostics, LLC DBA Color Health
Classification: Likely pathogenic for Fabry disease. Last evaluated: 2024-10-15. Review status: criteria provided, single submitter. Criteria: ACMG Guidelines, 2015. Collection method: clinical testing. Allele origin: germline.
Comment: This missense variant replaces methionine with leucine at codon 42 of the GLA protein. Computational prediction suggests that this variant may have deleterious impact on protein structure and function. In vitro functional studies in transfected HEK-293 cells have shown that this variant causes a significant reduction in GLA activity (PMID: 27657681, 31036492). This variant has been reported in individuals affected with Fabry disease, including two with a renal variant of Fabry disease (PMID: 15492942, 15712228, 32802993; DOI:10.16966/2380-5498.124). Different variants affecting the same codon, p.Met42Val and p.Met42Thr, are considered to be disease-causing (ClinVar variation ID: 222174, 92541), suggesting that methionine at this position is important for GLA protein function. This variant has not been identified in the general population by the Genome Aggregation Database (gnomAD). Based on the available evidence, this variant is classified as Likely Pathogenic.

All of Us Research Program, National Institutes of Health
Classification: Likely pathogenic for Fabry disease. Last evaluated: 2024-09-12. Review status: criteria provided, single submitter. Criteria: ACMG Guidelines, 2015. Collection method: clinical testing. Allele origin: germline. Inheritance: X-linked inheritance. Observed: 2 variant alleles, 1 heterozygote, 1 hemizygote.
Comment: This missense variant replaces methionine with leucine at codon 42 of the GLA protein. Computational prediction suggests that this variant may have a deleterious impact on protein structure and function (internally defined REVEL score threshold >= 0.7, PMID: 27666373). In vitro functional studies in transfected HEK-293 cells have shown that this variant causes a significant reduction in GLA activity (PMID: 27657681, 31036492). This variant has been reported in individuals affected with Fabry disease, including two with a renal variant of Fabry disease (PMID: 15492942, 15712228, 32802993; DOI:10.16966/2380-5498.124). Different variants affecting the same codon, p.Met42Val and p.Met42Thr, are considered to be disease-causing (ClinVar variation ID: 222174, 92541), suggesting that methionine at this position is important for GLA protein function. This variant has not been identified in the general population by the Genome Aggregation Database (gnomAD). Based on the available evidence, this variant is classified as Likely Pathogenic.

This study involves interpretation of variants in research participants for the purpose of population health screening. Participant phenotype was not available at the time of variant classification. Additional details can be found in publication PMID: 35346344, PMCID: PMC8962531

Genome-Nilou Lab
Classification: Pathogenic for Fabry disease. Last evaluated: 2021-07-15. Review status: criteria provided, single submitter. Criteria: ACMG Guidelines, 2015. Collection method: clinical testing. Allele origin: germline. Affected: no.